The following is an entry in ClinVar:

NM_001278116.2(L1CAM):c.1786G>C (p.Glu596Gln)

Gene: L1CAM (L1 cell adhesion molecule; minus strand). Cytogenetic location: Xq28.
Variant type: single nucleotide variant.
Coding change: c.1786G>C on transcript NM_001278116.2 (MANE Select); coding-DNA position 1786, G replaced by C.
Protein change: p.Glu596Gln; replaces glutamic acid 596 with glutamine.
Molecular consequence: missense variant.
Genome position (GRCh38, 1-based): chrX:153,868,040, C>G on the plus strand (G>C on the coding strand, the complement: L1CAM is on the minus strand). VCF-style: chrX-153868040-C-G. GRCh37 (hg19) VCF-style: chrX-153133495-C-G.
Other names: c.1786G>C, p.Glu596Gln (NM_000425.5, NM_024003.3); c.1771G>C, p.Glu591Gln (NM_001143963.2); short protein forms E596Q, E591Q.
Identifiers: ClinVar variation 846892 (VCV000846892.9), dbSNP rs137940405, ClinGen allele CA415123468.

ClinVar aggregate classification (germline): Uncertain significance (1 of 4 stars; one submission).

Conditions:
Spastic paraplegia. Identifiers: MedGen C0037772, HP:0001258.

Submission:

Labcorp Genetics (formerly Invitae), Labcorp
Classification: Uncertain significance for Spastic paraplegia. Last evaluated: 2022-07-26. Review status: criteria provided, single submitter. Criteria: Invitae Variant Classification Sherloc (09022015). Collection method: clinical testing. Allele origin: germline.
Comment: This variant is not present in population databases (gnomAD no frequency). In summary, the available evidence is currently insufficient to determine the role of this variant in disease. Therefore, it has been classified as a Variant of Uncertain Significance. Advanced modeling of protein sequence and biophysical properties (such as structural, functional, and spatial information, amino acid conservation, physicochemical variation, residue mobility, and thermodynamic stability) performed at Invitae indicates that this missense variant is not expected to disrupt L1CAM protein function. ClinVar contains an entry for this variant (Variation ID: 846892). This variant has not been reported in the literature in individuals affected with L1CAM-related conditions. This sequence change replaces glutamic acid, which is acidic and polar, with glutamine, which is neutral and polar, at codon 596 of the L1CAM protein (p.Glu596Gln).